The following is an entry in ClinVar:

ClinVar aggregate classification (germline): Uncertain significance (1 of 4 stars; one submission).

Conditions:
Peutz-Jeghers syndrome (PJS). Also called: Peutz-Jeghers polyposis; Periorificial lentiginosis syndrome; POLYPOSIS, HAMARTOMATOUS INTESTINAL; POLYPS-AND-SPOTS SYNDROME. Identifiers: Orphanet 2869, MedGen C0031269, MeSH D010580, MONDO:0008280, OMIM 175200.

Submission:

Labcorp Genetics (formerly Invitae), Labcorp
Classification: Uncertain significance for Peutz-Jeghers syndrome. Last evaluated: 2022-03-26. Review status: criteria provided, single submitter. Criteria: Invitae Variant Classification Sherloc (09022015). Collection method: clinical testing. Allele origin: germline.
Comment: This sequence change replaces threonine, which is neutral and polar, with asparagine, which is neutral and polar, at codon 328 of the STK11 protein (p.Thr328Asn). This variant is not present in population databases (gnomAD no frequency). This variant has not been reported in the literature in individuals affected with STK11-related conditions. Advanced modeling of protein sequence and biophysical properties (such as structural, functional, and spatial information, amino acid conservation, physicochemical variation, residue mobility, and thermodynamic stability) performed at Invitae indicates that this missense variant is not expected to disrupt STK11 protein function. In summary, the available evidence is currently insufficient to determine the role of this variant in disease. Therefore, it has been classified as a Variant of Uncertain Significance.

NM_000455.5(STK11):c.983C>A (p.Thr328Asn)

Genes: STK11 (serine/threonine kinase 11; plus strand), LOC130062899 (ATAC-STARR-seq lymphoblastoid active region 13597; plus strand). Cytogenetic location: 19p13.3.
Variant type: single nucleotide variant.
Coding change: c.983C>A on transcript NM_000455.5 (MANE Select); coding-DNA position 983, C replaced by A.
Protein change: p.Thr328Asn; replaces threonine 328 with asparagine.
Molecular consequence: missense variant.
Genome position (GRCh38, 1-based): chr19:1,223,047, C>A. VCF-style: chr19-1223047-C-A. GRCh37 (hg19) VCF-style: chr19-1223046-C-A.
Other names: c.983C>A, p.Thr328Asn (NM_001407255.1); short protein forms T328N.
Identifiers: ClinVar variation 2167199 (VCV002167199.4), dbSNP rs1405959130, ClinGen allele CA402951616.